The following is an entry in ClinVar:

NM_001232.4(CASQ2):c.1030A>T (p.Met344Leu)

Gene: CASQ2 (calsequestrin 2; minus strand). Cytogenetic location: 1p13.1.
Variant type: single nucleotide variant.
Coding change: c.1030A>T on transcript NM_001232.4 (MANE Select); coding-DNA position 1030, A replaced by T.
Protein change: p.Met344Leu; replaces methionine 344 with leucine.
Molecular consequence: missense variant.
Genome position (GRCh38, 1-based): chr1:115,701,411, T>A on the plus strand (A>T on the coding strand, the complement: CASQ2 is on the minus strand). VCF-style: chr1-115701411-T-A. GRCh37 (hg19) VCF-style: chr1-116244032-T-A.
Other names: short protein forms M344L.
Identifiers: ClinVar variation 1498700 (VCV001498700.10), dbSNP rs1295335060, ClinGen allele CA341766521.
Genomic context (GRCh38, chr1:115,701,411, plus strand): 5'-CCTCAATCCAGTCCTCCAGCTCCTCAGCAGTTGGAAGATCGTCATCATCTGGAATCTCCA[T>A]CCAGACACTGTCAGCCTGCAGTGAGGGACAAAATGAATGAGTGGGTAAATGCATGAGGGC-3'
Protein context (NP_001223.2, residues 334-354): VNVTDADSVW[Met344Leu]EIPDDDDLPT

ClinVar aggregate classification (germline): Uncertain significance. Review status: criteria provided, multiple submitters, no conflicts (2 of 4 stars). 4 submissions from 4 submitters: Uncertain significance (4). Last evaluated 2025-08-06.

Conditions:
Catecholaminergic polymorphic ventricular tachycardia 2. Also called: CASQ2-Related Catecholaminergic Polymorphic Ventricular Tachycardia; VENTRICULAR TACHYCARDIA, STRESS-INDUCED POLYMORPHIC 2. Identifiers: Orphanet 3286, MedGen C2677794, MONDO:0012762, OMIM 611938.
Catecholaminergic polymorphic ventricular tachycardia 1. Also called: VENTRICULAR TACHYCARDIA, CATECHOLAMINERGIC POLYMORPHIC, 1, WITH OR WITHOUT ATRIAL DYSFUNCTION AND/OR DILATED CARDIOMYOPATHY; RYR2-Related Catecholaminergic Polymorphic Ventricular Tachycardia; VENTRICULAR TACHYCARDIA, STRESS-INDUCED POLYMORPHIC 1. Identifiers: Orphanet 3286, MedGen C1631597, MONDO:0011484, OMIM 604772.
Cardiovascular phenotype. Identifiers: MedGen CN230736.

Allele frequency attached by ClinVar (database versions not stated): gnomAD exomes below 0.00001 and 0.00001.
gnomAD v4.1: 20 of 1,612,876 alleles (0.0012%); highest among the groups gnomAD compares: Non-Finnish European, 0.0016%; no homozygotes.

Submissions (4):

Ambry Genetics
Classification: Uncertain significance for Cardiovascular phenotype. Last evaluated: 2025-08-06. Review status: criteria provided, single submitter. Criteria: Ambry Variant Classification Scheme 2023. Collection method: clinical testing. Allele origin: germline.
Comment: The p.M344L variant (also known as c.1030A>T), located in coding exon 11 of the CASQ2 gene, results from an A to T substitution at nucleotide position 1030. The methionine at codon 344 is replaced by leucine, an amino acid with highly similar properties. This amino acid position is well conserved in available vertebrate species; however, leucine is the reference amino acid in other vertebrate species. In addition, this alteration is predicted to be tolerated by in silico analysis. Since supporting evidence is limited at this time, the clinical significance of this alteration remains unclear.

Genome-Nilou Lab
Classification: Uncertain significance for Catecholaminergic polymorphic ventricular tachycardia 2. Last evaluated: 2023-04-11. Review status: criteria provided, single submitter. Criteria: ACMG Guidelines, 2015. Collection method: clinical testing. Allele origin: germline. Affected: no.

Fulgent Genetics
Classification: Uncertain significance for Catecholaminergic polymorphic ventricular tachycardia 1; Catecholaminergic polymorphic ventricular tachycardia 2. Last evaluated: 2021-09-08. Review status: criteria provided, single submitter. Criteria: ACMG Guidelines, 2015. Collection method: clinical testing. Allele origin: unknown.

Labcorp Genetics (formerly Invitae), Labcorp
Classification: Uncertain significance for Catecholaminergic polymorphic ventricular tachycardia 1. Last evaluated: 2021-09-01. Review status: criteria provided, single submitter. Criteria: Invitae Variant Classification Sherloc (09022015). Collection method: clinical testing. Allele origin: germline.
Comment: This sequence change replaces methionine with leucine at codon 344 of the CASQ2 protein (p.Met344Leu). The methionine residue is moderately conserved and there is a small physicochemical difference between methionine and leucine. This variant is not present in population databases (ExAC no frequency). This variant has not been reported in the literature in individuals affected with CASQ2-related conditions. Algorithms developed to predict the effect of missense changes on protein structure and function (SIFT, PolyPhen-2, Align-GVGD) all suggest that this variant is likely to be tolerated. Algorithms developed to predict the effect of sequence changes on RNA splicing suggest that this variant may create or strengthen a splice site. In summary, the available evidence is currently insufficient to determine the role of this variant in disease. Therefore, it has been classified as a Variant of Uncertain Significance.